The following is an entry in ClinVar:

Conditions:
Arteriohepatic dysplasia. Also called: Alagille Syndrome. Identifiers: Orphanet 52, MedGen C0085280, MeSH D016738, MONDO:0007318.

Submission:

Gilbert/Spinner Lab, Children's Hospital of Philadelphia
No classification provided (evidence only). Condition: Alagille syndrome. Review status: no classification provided. Collection method: research. Allele origin: not applicable. Functional consequence: functionally_abnormal.
ClinVar note: "not provided" was previously submitted as the classification for the variant. However, the classification appeared to be based only on an observation of functional data so it was converted to no classification on 2025-07-30.

NM_000214.3(JAG1):c.550C>G (p.Arg184Gly)

Gene: JAG1 (jagged canonical Notch ligand 1; minus strand). Cytogenetic location: 20p12.2.
Variant type: single nucleotide variant.
Coding change: c.550C>G on transcript NM_000214.3 (MANE Select); coding-DNA position 550, C replaced by G.
Protein change: p.Arg184Gly; replaces arginine 184 with glycine.
Molecular consequence: missense variant.
Genome position (GRCh38, 1-based): chr20:10,658,612, G>C on the plus strand (C>G on the coding strand, the complement: JAG1 is on the minus strand). VCF-style: chr20-10658612-G-C. GRCh37 (hg19) VCF-style: chr20-10639260-G-C.
Other names: short protein forms R184G.
Identifiers: ClinVar variation 3573059 (VCV003573059.2).